The following is an entry in ClinVar:

ClinVar aggregate classification (germline): Likely benign (1 of 4 stars; one submission).

Allele frequency attached by ClinVar (database versions not stated): gnomAD exomes 0.00052; gnomAD 0.00515; 1000 Genomes Project 0.00519; TOPMed 0.00567; 1000 Genomes Project 30x 0.00625.
gnomAD v4.1: 1,583 of 1,607,934 alleles (0.098%); highest among the groups gnomAD compares: African/African-American, 1.8%; 10 homozygotes.

Submission:

GeneDx
Classification: Likely benign. Last evaluated: 2019-11-22. Review status: criteria provided, single submitter. Criteria: GeneDx Variant Classification Process June 2021. Collection method: clinical testing. Allele origin: germline. Affected: yes.
Comment: See Variant Classification Assertion Criteria.

NM_001374675.1(HSF4):c.627-71G>A

Gene: HSF4 (heat shock transcription factor 4; plus strand). Cytogenetic location: 16q22.1.
Variant type: single nucleotide variant.
Coding change: c.627-71G>A on transcript NM_001374675.1 (MANE Select); 71 bases into the intron before coding-DNA position 627, G replaced by A.
Molecular consequence: intron variant.
Genome position (GRCh38, 1-based): chr16:67,167,049, G>A. VCF-style: chr16-67167049-G-A. GRCh37 (hg19) VCF-style: chr16-67200952-G-A.
Other names: c.627-71G>A (NM_001538.4, NM_001040667.3, NM_001374674.1).
Identifiers: ClinVar variation 1707390 (VCV001707390.2), dbSNP rs114297368, ClinGen allele CA282291642.